The following is an entry in ClinVar:

NM_001303256.3(MORC2):c.1430A>T (p.Gln477Leu)

Gene: MORC2 (MORC family CW-type zinc finger 2; minus strand). Cytogenetic location: 22q12.2.
Variant type: single nucleotide variant.
Coding change: c.1430A>T on transcript NM_001303256.3 (MANE Select); coding-DNA position 1430, A replaced by T.
Protein change: p.Gln477Leu; replaces glutamine 477 with leucine.
Molecular consequence: missense variant.
Genome position (GRCh38, 1-based): chr22:30,937,651, T>A on the plus strand (A>T on the coding strand, the complement: MORC2 is on the minus strand). VCF-style: chr22-30937651-T-A. GRCh37 (hg19) VCF-style: chr22-31333638-T-A.
Other names: c.1430A>T, p.Gln477Leu (NM_001303257.2); c.1244A>T, p.Gln415Leu (NM_014941.3); short protein forms Q415L, Q477L.
Identifiers: ClinVar variation 1999783 (VCV001999783.4), dbSNP rs2517588719, ClinGen allele CA411237790.
Genomic context (GRCh38, chr22:30,937,651, plus strand): 5'-ATGGTGGTGGGGATTTCCATAGCTCTCCGGCGTTTGTAACGCAGCTCACTGGATGGGGGC[T>A]GGTTCCAGTTGGCAGAGAGGTAGCCAAACTCATCCCAGAACTTGATGATTCCCCTCTGGG-3'
Protein context (NP_001290185.1, residues 467-487): EFGYLSANWN[Gln477Leu]PPSSELRYKR

ClinVar aggregate classification (germline): Uncertain significance (1 of 4 stars; one submission).

Conditions:
Charcot-Marie-Tooth disease axonal type 2Z. Also called: CHARCOT-MARIE-TOOTH DISEASE, AXONAL, AUTOSOMAL DOMINANT, TYPE 2Z; CHARCOT-MARIE-TOOTH NEUROPATHY, TYPE 2Z. Identifiers: Orphanet 466768, MedGen C5569025, MONDO:0014736, OMIM 616688.

Submission:

Labcorp Genetics (formerly Invitae), Labcorp
Classification: Uncertain significance for Charcot-Marie-Tooth disease axonal type 2Z. Last evaluated: 2022-05-28. Review status: criteria provided, single submitter. Criteria: Invitae Variant Classification Sherloc (09022015). Collection method: clinical testing. Allele origin: germline.
Comment: This variant has not been reported in the literature in individuals affected with MORC2-related conditions. This variant is not present in population databases (gnomAD no frequency). This sequence change replaces glutamine, which is neutral and polar, with leucine, which is neutral and non-polar, at codon 477 of the MORC2 protein (p.Gln477Leu). In summary, the available evidence is currently insufficient to determine the role of this variant in disease. Therefore, it has been classified as a Variant of Uncertain Significance. Advanced modeling of protein sequence and biophysical properties (such as structural, functional, and spatial information, amino acid conservation, physicochemical variation, residue mobility, and thermodynamic stability) performed at Invitae indicates that this missense variant is not expected to disrupt MORC2 protein function.